The following is an entry in ClinVar:

ClinVar aggregate classification (germline): Likely pathogenic (1 of 4 stars; one submission).

Conditions:
Inborn genetic diseases. Identifiers: MedGen C0950123, MeSH D030342.

Submission:

Ambry Genetics
Classification: Likely pathogenic for Inborn genetic diseases. Last evaluated: 2023-09-20. Review status: criteria provided, single submitter. Criteria: Ambry Variant Classification Scheme 2023. Collection method: clinical testing. Allele origin: germline.
Comment: The c.404G>A (p.R135H) alteration is located in exon 1 (coding exon 1) of the NR2F1 gene. This alteration results from a G to A substitution at nucleotide position 404, causing the arginine (R) at amino acid position 135 to be replaced by a histidine (H). This variant was not reported in population-based cohorts in the Genome Aggregation Database (gnomAD). Two other alterations at the same codon, c.403C>T (p.R135C) and c.403C>A (p.R135S), have been detected in patients with symptoms consistent with Bosch-Boonstra-Schaaf optic atrophy syndrome. This amino acid position is highly conserved in available vertebrate species. Based on internal structural analysis, R135H is moderately disruptive to the DNA-binding interface of NR2F1, but there are no comparable internally pathogenic variants nearby for comparison (Liu, 2023). This alteration is predicted to be deleterious by in silico analysis. Based on the available evidence, this alteration is classified as likely pathogenic.

Literature cited by the submitters: PubMed 36651297.

NM_005654.6(NR2F1):c.404G>A (p.Arg135His)

Genes: NR2F1 (nuclear receptor subfamily 2 group F member 1; plus strand), NR2F1-AS1 (NR2F1 regulatory antisense RNA 1; minus strand). Cytogenetic location: 5q15.
Variant type: single nucleotide variant.
Coding change: c.404G>A on transcript NM_005654.6 (MANE Select); coding-DNA position 404, G replaced by A.
Protein change: p.Arg135His; replaces arginine 135 with histidine.
Molecular consequence: missense variant. On other transcripts: non-coding transcript variant (8).
Genome position (GRCh38, 1-based): chr5:93,585,427, G>A. VCF-style: chr5-93585427-G-A. GRCh37 (hg19) VCF-style: chr5-92921133-G-A.
Other names: short protein forms R135H.
Identifiers: ClinVar variation 3201928 (VCV003201928.1), dbSNP rs2480802411, ClinGen allele CA360526210.
Genomic context (GRCh38, chr5:93,585,427, plus strand): 5'-GCAGGAACTTAACTTACACATGCCGTGCCAACAGGAACTGTCCCATCGACCAGCACCACC[G>A]CAACCAGTGCCAATACTGCCGCCTCAAGAAGTGCCTCAAAGTGGGCATGAGGCGGGAAGG-3'
Protein context (NP_005645.1, residues 125-145): NRNCPIDQHH[Arg135His]NQCQYCRLKK